The following is an entry in ClinVar:

NM_005216.5(DDOST):c.915C>A (p.Pro305=)

Gene: DDOST (dolichyl-diphosphooligosaccharide--protein glycosyltransferase non-catalytic subunit; minus strand). Cytogenetic location: 1p36.12.
Variant type: single nucleotide variant.
Coding change: c.915C>A on transcript NM_005216.5 (MANE Select); coding-DNA position 915, C replaced by A.
Protein change: p.Pro305=; no amino-acid change (proline 305 retained).
Molecular consequence: synonymous variant.
Genome position (GRCh38, 1-based): chr1:20,653,654, G>T on the plus strand (C>A on the coding strand, the complement: DDOST is on the minus strand). VCF-style: chr1-20653654-G-T. GRCh37 (hg19) VCF-style: chr1-20980147-G-T.
Identifiers: ClinVar variation 2638437 (VCV002638437.24), dbSNP rs2545274335, ClinGen allele CA416506446.
Genomic context (GRCh38, chr1:20,653,654, plus strand): 5'-CCTTTGGGCCCTCCCACCCCAAACATCTCTTACCACTAGGTCAGTGACAGTGTAGGCATT[G>T]GGTGGGGCTGTCTCGCCCACCCGATGATGGGACACAGGCCCCACACGGAGGACACCCTCC-3'
Protein context (NP_005207.3, residues 295-315): SHHRVGETAP[Pro305=]NAYTVTDLVE

ClinVar aggregate classification (germline): Likely benign (1 of 4 stars; one submission).

Submission:

CeGaT Center for Human Genetics Tuebingen
Classification: Likely benign. Last evaluated: 2022-06-01. Review status: criteria provided, single submitter. Criteria: CeGaT Center For Human Genetics Tuebingen Variant Classification Criteria Version 2. Collection method: clinical testing. Allele origin: germline. Affected: yes. Observed: 1 variant allele.
Comment: DDOST: PM2:Supporting, BP4, BP7